The following is an entry in ClinVar:

ClinVar aggregate classification (germline): Benign/Likely benign. Review status: criteria provided, multiple submitters, no conflicts (2 of 4 stars). 3 submissions from 3 submitters: Benign (1); Likely benign (1). 1 of the submissions does not count toward it. Last evaluated 2025-12-17.

Conditions:
KLHL24-related disorder. Also called: KLHL24-related condition.

Allele frequency attached by ClinVar (database versions not stated): TOPMed 0.00002; gnomAD 0.00011; ExAC 0.00052; 1000 Genomes Project 30x 0.00078; 1000 Genomes Project 0.00100.
gnomAD v4.1: 292 of 1,477,344 alleles (0.02%); highest among the groups gnomAD compares: South Asian, 0.38%; 3 homozygotes.

Submissions (3):

Labcorp Genetics (formerly Invitae), Labcorp
Classification: Benign. Last evaluated: 2025-12-17. Review status: criteria provided, single submitter. Criteria: Invitae Variant Classification Sherloc (09022015). Collection method: clinical testing. Allele origin: germline.

Blueprint Genetics
Classification: Likely benign. Last evaluated: 2024-10-25. Review status: criteria provided, single submitter. Criteria: ACMG Guidelines, 2015. Collection method: clinical testing. Allele origin: germline.

PreventionGenetics, part of Exact Sciences
Classification: Benign for KLHL24-related condition. Last evaluated: 2019-05-10. Review status: no assertion criteria provided. Collection method: clinical testing. Allele origin: germline. Not counted in ClinVar's aggregate classification.
Comment: This variant is classified as benign based on ACMG/AMP sequence variant interpretation guidelines (Richards et al. 2015 PMID: 25741868, with internal and published modifications).

NM_017644.3(KLHL24):c.1105+10G>T

Gene: KLHL24 (kelch like family member 24; plus strand). Cytogenetic location: 3q27.1.
Variant type: single nucleotide variant.
Coding change: c.1105+10G>T on transcript NM_017644.3 (MANE Select); 10 bases into the intron after coding-DNA position 1105, G replaced by T.
Molecular consequence: intron variant.
Genome position (GRCh38, 1-based): chr3:183,663,652, G>T. VCF-style: chr3-183663652-G-T. GRCh37 (hg19) VCF-style: chr3-183381440-G-T.
Other names: c.1105+10G>T (NM_001349418.1, NM_001349424.1, NM_001349413.1 and 11 more transcripts); c.262+10G>T (NM_001349428.1, NM_001349429.1).
Identifiers: ClinVar variation 3041294 (VCV003041294.4), dbSNP rs565684345, ClinGen allele CA2721658.